The following is an entry in ClinVar:

NM_003227.4(TFR2):c.287-2A>T

Gene: TFR2 (transferrin receptor 2; minus strand). Cytogenetic location: 7q22.1.
Variant type: single nucleotide variant.
Coding change: c.287-2A>T on transcript NM_003227.4 (MANE Select); the canonical splice acceptor site of the intron before coding-DNA position 287, A replaced by T.
Molecular consequence: splice acceptor variant.
Genome position (GRCh38, 1-based): chr7:100,640,874, T>A on the plus strand (A>T on the coding strand, the complement: TFR2 is on the minus strand). VCF-style: chr7-100640874-T-A. GRCh37 (hg19) VCF-style: chr7-100238497-T-A.
Identifiers: ClinVar variation 2024142 (VCV002024142.4), dbSNP rs774862156, ClinGen allele CA368537910.
Genomic context (GRCh38, chr7:100,640,874, plus strand): 5'-CACAGAGTCTCCGCACGCCTGGCAGGACCCTCGGAAGGCGACGTAGCCCAGTAGGAAGGC[T>A]GGCGGGTGGCAAGATGGGGATTCTCTTTATGCCCACCTCTGGACCCCAGAAATCTCCCCC-3'

ClinVar aggregate classification (germline): Likely pathogenic (1 of 4 stars; one submission).

Conditions:
Hereditary hemochromatosis (HFE). Identifiers: MedGen C0392514, MONDO:0006507. Disease mechanism: loss of function.

Submission:

Labcorp Genetics (formerly Invitae), Labcorp
Classification: Likely pathogenic for Hereditary hemochromatosis. Last evaluated: 2022-08-14. Review status: criteria provided, single submitter. Criteria: Invitae Variant Classification Sherloc (09022015). Collection method: clinical testing. Allele origin: germline.
Comment: In summary, the currently available evidence indicates that the variant is pathogenic, but additional data are needed to prove that conclusively. Therefore, this variant has been classified as Likely Pathogenic. Algorithms developed to predict the effect of sequence changes on RNA splicing suggest that this variant may disrupt the consensus splice site. This variant has not been reported in the literature in individuals affected with TFR2-related conditions. This variant is not present in population databases (gnomAD no frequency). This sequence change affects an acceptor splice site in intron 2 of the TFR2 gene. It is expected to disrupt RNA splicing. Variants that disrupt the donor or acceptor splice site typically lead to a loss of protein function (PMID: 16199547), and loss-of-function variants in TFR2 are known to be pathogenic (PMID: 23600741, 26029709).

Literature cited by the submitters: PubMed 16199547; PubMed 23600741; PubMed 26029709.